The following is an entry in ClinVar:

NM_006096.4(NDRG1):c.100-40A>T

Gene: NDRG1 (N-myc downstream regulated 1; minus strand). Cytogenetic location: 8q24.22.
Variant type: single nucleotide variant.
Coding change: c.100-40A>T on transcript NM_006096.4 (MANE Select); 40 bases into the intron before coding-DNA position 100, A replaced by T.
Molecular consequence: intron variant.
Genome position (GRCh38, 1-based): chr8:133,264,692, T>A on the plus strand (A>T on the coding strand, the complement: NDRG1 is on the minus strand). VCF-style: chr8-133264692-T-A. GRCh37 (hg19) VCF-style: chr8-134276935-T-A.
Other names: c.-99-40A>T (NM_001258432.2, NM_001374847.1); c.-38-2525A>T (NM_001258433.2); c.100-40A>T (NM_001374844.1, NM_001135242.2, NM_001374845.1 and 1 more transcripts).
Identifiers: ClinVar variation 675954 (VCV000675954.2), dbSNP rs143266148, ClinGen allele CA4886897.

ClinVar aggregate classification (germline): Likely benign. Review status: criteria provided, multiple submitters, no conflicts (2 of 4 stars). 2 submissions from 2 submitters: Likely benign (2). Last evaluated 2018-06-16.

Allele frequency attached by ClinVar (database versions not stated): 1000 Genomes Project 30x 0.00609; 1000 Genomes Project 0.00619; TOPMed 0.00927; gnomAD 0.00934 and 0.00965; ESP Exome Variant Server 0.01069; gnomAD exomes 0.01075 and 0.01294; ExAC 0.01143.
gnomAD v4.1: 19,583 of 1,556,786 alleles (1.3%); highest among the groups gnomAD compares: Middle Eastern, 3%; 178 homozygotes.

Submissions (2):

GeneDx
Classification: Likely benign. Last evaluated: 2018-06-16. Review status: criteria provided, single submitter. Criteria: GeneDx Variant Classification (06012015). Collection method: clinical testing. Allele origin: germline. Affected: yes.
Comment: This variant is considered likely benign or benign based on one or more of the following criteria: it is a conservative change, it occurs at a poorly conserved position in the protein, it is predicted to be benign by multiple in silico algorithms, and/or has population frequency not consistent with disease.

Breakthrough Genomics
Classification: Likely benign. Review status: criteria provided, single submitter. Criteria: ACMG Guidelines, 2015. Collection method: not provided. Allele origin: germline. Inheritance: Autosomal recessive inheritance. Affected: yes.